The following is an entry in ClinVar:

ClinVar aggregate classification (germline): Pathogenic (1 of 4 stars; one submission).

Conditions:
Aicardi-Goutieres syndrome 5. Identifiers: Orphanet 51, MedGen C2749659, MONDO:0013059, OMIM 612952.

Submission:

Labcorp Genetics (formerly Invitae), Labcorp
Classification: Pathogenic for Aicardi-Goutieres syndrome 5. Last evaluated: 2023-05-18. Review status: criteria provided, single submitter. Criteria: Invitae Variant Classification Sherloc (09022015). Collection method: clinical testing. Allele origin: germline.
Comment: For these reasons, this variant has been classified as Pathogenic. This variant has not been reported in the literature in individuals affected with SAMHD1-related conditions. This variant is a gross deletion of the genomic region encompassing exon(s) 1-2 of the SAMHD1 gene, which includes the initiator codon. This deletion extends beyond the assayed region for this gene and therefore may encompass additional genes. It is expected to result in an absent or disrupted protein product. Loss-of-function variants in SAMHD1 are known to be pathogenic (PMID: 19525956, 22461318).

Literature cited by the submitters: PubMed 19525956; PubMed 22461318.

NC_000020.10:g.(?_35575121)_(35580046_?)del

Gene: SAMHD1 (SAM and HD domain containing deoxynucleoside triphosphate triphosphohydrolase 1; minus strand). Cytogenetic location: 20q11.23.
Variant type: Deletion.
Identifiers: ClinVar variation 1453957 (VCV001453957.5).